The following is an entry in ClinVar:

NM_001943.5(DSG2):c.1933A>T (p.Thr645Ser)

Gene: DSG2 (desmoglein 2; plus strand). Cytogenetic location: 18q12.1.
Variant type: single nucleotide variant.
Coding change: c.1933A>T on transcript NM_001943.5 (MANE Select); coding-DNA position 1933, A replaced by T.
Protein change: p.Thr645Ser; replaces threonine 645 with serine.
Molecular consequence: missense variant.
Genome position (GRCh38, 1-based): chr18:31,541,246, A>T. VCF-style: chr18-31541246-A-T. GRCh37 (hg19) VCF-style: chr18-29121209-A-T.
Other names: short protein forms T645S.
Identifiers: ClinVar variation 1437147 (VCV001437147.6), dbSNP rs1229669407, ClinGen allele CA402139470.

ClinVar aggregate classification (germline): Uncertain significance (1 of 4 stars; one submission).

Conditions:
Arrhythmogenic right ventricular dysplasia 10. Also called: Arrhythmogenic Right Ventricular Dysplasia/Cardiomyopathy10; ARRHYTHMOGENIC RIGHT VENTRICULAR DYSPLASIA, FAMILIAL, 10; Arrhythmogenic right ventricular dysplasia/cardiomyopathy, type 10. Identifiers: MedGen C1857777, MONDO:0012434, OMIM 610193.

Submission:

Labcorp Genetics (formerly Invitae), Labcorp
Classification: Uncertain significance for Arrhythmogenic right ventricular dysplasia 10. Last evaluated: 2025-12-21. Review status: criteria provided, single submitter. Criteria: Invitae Variant Classification Sherloc (09022015). Collection method: clinical testing. Allele origin: germline.
Comment: This sequence change replaces threonine, which is neutral and polar, with serine, which is neutral and polar, at codon 645 of the DSG2 protein (p.Thr645Ser). This variant is not present in population databases (gnomAD no frequency). This variant has not been reported in the literature in individuals affected with DSG2-related conditions. ClinVar contains an entry for this variant (Variation ID: 1437147). Invitae Evidence Modeling of protein sequence and biophysical properties (such as structural, functional, and spatial information, amino acid conservation, physicochemical variation, residue mobility, and thermodynamic stability) indicates that this missense variant is not expected to disrupt DSG2 protein function with a negative predictive value of 95%. In summary, the available evidence is currently insufficient to determine the role of this variant in disease. Therefore, it has been classified as a Variant of Uncertain Significance.